The following is an entry in ClinVar:

ClinVar aggregate classification (germline): Benign/Likely benign. Review status: criteria provided, multiple submitters, no conflicts (2 of 4 stars). 5 submissions from 5 submitters: Benign (3); Likely benign (2). Last evaluated 2025-09-23.

Conditions:
Inborn genetic diseases. Identifiers: MedGen C0950123, MeSH D030342.

Allele frequency attached by ClinVar (database versions not stated): gnomAD exomes 0.00011; TOPMed 0.00011; gnomAD 0.00013 and 0.00019; ESP Exome Variant Server 0.00028; 1000 Genomes Project 30x 0.00042.
gnomAD v4.1: 142 of 1,206,016 alleles (0.012%); highest among the groups gnomAD compares: South Asian, 0.08%; no homozygotes.

Submissions (5):

Labcorp Genetics (formerly Invitae), Labcorp
Classification: Benign. Last evaluated: 2025-09-23. Review status: criteria provided, single submitter. Criteria: Invitae Variant Classification Sherloc (09022015). Collection method: clinical testing. Allele origin: germline.

Blueprint Genetics
Classification: Likely benign. Last evaluated: 2024-03-02. Review status: criteria provided, single submitter. Criteria: ACMG Guidelines, 2015. Collection method: clinical testing. Allele origin: germline.

CeGaT Center for Human Genetics Tuebingen
Classification: Likely benign. Last evaluated: 2023-03-01. Review status: criteria provided, single submitter. Criteria: CeGaT Center For Human Genetics Tuebingen Variant Classification Criteria Version 2. Collection method: clinical testing. Allele origin: germline. Affected: yes. Observed: 3 variant alleles.
Comment: OPHN1: BP4, BS2

Ambry Genetics
Classification: Benign for Inborn genetic diseases. Last evaluated: 2021-09-28. Review status: criteria provided, single submitter. Criteria: Ambry Variant Classification Scheme 2023. Collection method: clinical testing. Allele origin: germline.

GeneDx
Classification: Benign. Last evaluated: 2021-06-22. Review status: criteria provided, single submitter. Criteria: GeneDx Variant Classification Process June 2021. Collection method: clinical testing. Allele origin: germline. Affected: yes.

NM_002547.3(OPHN1):c.2062G>T (p.Ala688Ser)

Gene: OPHN1 (oligophrenin 1; minus strand). Cytogenetic location: Xq12.
Variant type: single nucleotide variant.
Coding change: c.2062G>T on transcript NM_002547.3 (MANE Select); coding-DNA position 2062, G replaced by T.
Protein change: p.Ala688Ser; replaces alanine 688 with serine.
Molecular consequence: missense variant.
Genome position (GRCh38, 1-based): chrX:68,063,950, C>A on the plus strand (G>T on the coding strand, the complement: OPHN1 is on the minus strand). VCF-style: chrX-68063950-C-A. GRCh37 (hg19) VCF-style: chrX-67283792-C-A.
Other names: short protein forms A688S.
Identifiers: ClinVar variation 589314 (VCV000589314.40), dbSNP rs199985543, ClinGen allele CA10436795.